The following is an entry in ClinVar:

NM_033159.4(HYAL1):c.39del (p.Thr14fs)

Gene: HYAL1 (hyaluronidase 1; minus strand). Cytogenetic location: 3p21.31.
Variant type: Deletion.
Coding change: c.39del on transcript NM_033159.4 (MANE Select); coding-DNA position 39, one base deleted (G; older notation c.39delG).
Protein change: p.Thr14fs; shifts the reading frame from threonine 14.
Molecular consequence: frameshift variant. On other transcripts: non-coding transcript variant (1), intron variant (2).
Genome position (GRCh38, 1-based): chr3:50,302,918, C deleted on the plus strand (G on the coding strand, the reverse complement: HYAL1 is on the minus strand). VCF-style (leftmost placement, unchanged base first): chr3-50302917-TC-T. GRCh37 (hg19) VCF-style: chr3-50340348-TC-T.
Other names: c.39del, p.Thr14fs (NM_153281.2, NM_153282.3); c.-27+548del (NM_153285.3); c.-213-295del (NM_153283.3); short protein forms T14fs.
Identifiers: ClinVar variation 3643413 (VCV003643413.2).

ClinVar aggregate classification (germline): Pathogenic (1 of 4 stars; one submission).

Conditions:
Deficiency of hyaluronoglucosaminidase (MPS9). Also called: MPS IX; Mucopolysaccharidosis type 9; HYALURONIDASE DEFICIENCY. Identifiers: Orphanet 67041, MedGen C1291490, MONDO:0011093, OMIM 601492.

Submission:

Labcorp Genetics (formerly Invitae), Labcorp
Classification: Pathogenic for Deficiency of hyaluronoglucosaminidase. Last evaluated: 2024-02-26. Review status: criteria provided, single submitter. Criteria: Invitae Variant Classification Sherloc (09022015). Collection method: clinical testing. Allele origin: germline.
Comment: This sequence change creates a premature translational stop signal (p.Thr14Profs*46) in the HYAL1 gene. It is expected to result in an absent or disrupted protein product. Loss-of-function variants in HYAL1 are known to be pathogenic (PMID: 10339581, 21559944). This variant is not present in population databases (gnomAD no frequency). This variant has not been reported in the literature in individuals affected with HYAL1-related conditions. Algorithms developed to predict the effect of sequence changes on RNA splicing suggest that this variant may disrupt the consensus splice site. For these reasons, this variant has been classified as Pathogenic.

Literature cited by the submitters: PubMed 10339581; PubMed 21559944.